The following is an entry in ClinVar:

NM_024503.5(HIVEP3):c.856GAG[1] (p.Glu287del)

Gene: HIVEP3 (HIVEP zinc finger 3; minus strand). Cytogenetic location: 1p34.2.
Variant type: Microsatellite.
Coding change: c.856GAG[1] on transcript NM_024503.5 (MANE Select); one copy of the 3-base unit GAG starting at c.856; the reference has two copies in a row; one copy, 3 bases deleted.
Protein change: p.Glu287del; deletes glutamic acid 287.
Molecular consequence: inframe deletion.
Genome position (GRCh38, 1-based): chr1:41,583,937-41,583,939, CTC deleted on the plus strand (GAG on the coding strand, the reverse complement: HIVEP3 is on the minus strand); deleting any 3 consecutive bases within chr1:41,583,937-41,583,942 gives the same sequence; the position shown is the placement nearest the transcript's 3' end. VCF-style (leftmost placement, unchanged base first): chr1-41583936-TCTC-T. GRCh37 (hg19) VCF-style: chr1-42049607-TCTC-T.
Other names: c.856GAG[1], p.Glu287del (NM_001127714.3); short protein forms E287del.
Identifiers: ClinVar variation 2633142 (VCV002633142.1), dbSNP rs2521990706, ClinGen allele CA2695198001.

ClinVar aggregate classification (germline): Uncertain significance (1 of 4 stars; one submission).

Conditions:
HIVEP3-related disorder. Also called: HIVEP3-related condition.

Submission:

PreventionGenetics, part of Exact Sciences
Classification: Uncertain significance for HIVEP3-related condition. Last evaluated: 2023-05-02. Review status: criteria provided, single submitter. Criteria: ACMG Guidelines, 2015. Collection method: clinical testing. Allele origin: germline.
Comment: The HIVEP3 c.859_861delGAG variant is predicted to result in an in-frame deletion (p.Glu287del). To our knowledge, this variant has not been reported in the literature or in a large population database, indicating this variant is rare. At this time, the clinical significance of this variant is uncertain due to the absence of conclusive functional and genetic evidence.